The following is an entry in ClinVar:

NM_001126108.2(SLC12A3):c.307C>T (p.Leu103=)

Gene: SLC12A3 (solute carrier family 12 member 3; plus strand). Cytogenetic location: 16q13.
Variant type: single nucleotide variant.
Coding change: c.307C>T on transcript NM_001126108.2 (MANE Select); coding-DNA position 307, C replaced by T.
Protein change: p.Leu103=; no amino-acid change (leucine 103 retained).
Molecular consequence: synonymous variant.
Genome position (GRCh38, 1-based): chr16:56,867,094, C>T. VCF-style: chr16-56867094-C-T. GRCh37 (hg19) VCF-style: chr16-56901006-C-T.
Other names: c.307C>T, p.Leu103= (NM_000339.3); c.304C>T, p.Leu102= (NM_001126107.2).
Identifiers: ClinVar variation 712199 (VCV000712199.25), dbSNP rs35005216, ClinGen allele CA8068981.
Genomic context (GRCh38, chr16:56,867,094, plus strand): 5'-CCCTACCTGCCTGACTTGTGGTCTCTGGGCTGCCAGCAGGAAGGCAGACACCTGCATGCC[C>T]TGGCCTTTGACAGCCGGCCCAGCCACGAGATGACTGATGGGCTGGTGGAGGGCGAGGCAG-3'
Protein context (NP_001119580.2, residues 93-113): LKQEGRHLHA[Leu103=]AFDSRPSHEM

ClinVar aggregate classification (germline): Benign/Likely benign. Review status: criteria provided, multiple submitters, no conflicts (2 of 4 stars). 7 submissions from 7 submitters: Benign (2); Likely benign (3). 2 of the submissions do not count toward it. Last evaluated 2026-02-01.

Conditions:
SLC12A3-related disorder. Also called: SLC12A3-related condition.
Familial hypokalemia-hypomagnesemia (GTLMNS). Also called: POTASSIUM AND MAGNESIUM DEPLETION; gitelman syndrome; HYPOMAGNESEMIA-HYPOKALEMIA, PRIMARY RENOTUBULAR, WITH HYPOCALCIURIA. Identifiers: Orphanet 358, MedGen C0268450, MONDO:0009904, OMIM 263800.

Allele frequency attached by ClinVar (database versions not stated): gnomAD exomes 0.00024 and 0.00068; ExAC 0.00088; gnomAD 0.00249 and 0.00257; ESP Exome Variant Server 0.00269; TOPMed 0.00278; 1000 Genomes Project 0.00479; 1000 Genomes Project 30x 0.00500.
gnomAD v4.1: 737 of 1,613,676 alleles (0.046%); highest among the groups gnomAD compares: African/African-American, 0.9%; 4 homozygotes.

Submissions (7):

CeGaT Center for Human Genetics Tuebingen
Classification: Likely benign. Last evaluated: 2026-02-01. Review status: criteria provided, single submitter. Criteria: CeGaT Center For Human Genetics Tuebingen Variant Classification Criteria Version 2. Collection method: clinical testing. Allele origin: germline. Affected: yes. Observed: 1 variant allele.
Comment: SLC12A3: BP4, BP7

Labcorp Genetics (formerly Invitae), Labcorp
Classification: Benign. Last evaluated: 2026-01-31. Review status: criteria provided, single submitter. Criteria: Invitae Variant Classification Sherloc (09022015). Collection method: clinical testing. Allele origin: germline.

Blueprint Genetics
Classification: Likely benign. Last evaluated: 2024-09-11. Review status: criteria provided, single submitter. Criteria: ACMG Guidelines, 2015. Collection method: clinical testing. Allele origin: germline.

Genome-Nilou Lab
Classification: Benign for Familial hypokalemia-hypomagnesemia. Last evaluated: 2021-07-15. Review status: criteria provided, single submitter. Criteria: ACMG Guidelines, 2015. Collection method: clinical testing. Allele origin: germline. Affected: no.

GeneDx
Classification: Likely benign. Last evaluated: 2021-01-27. Review status: criteria provided, single submitter. Criteria: GeneDx Variant Classification Process June 2021. Collection method: clinical testing. Allele origin: germline. Affected: yes.

PreventionGenetics, part of Exact Sciences
Classification: Likely benign for SLC12A3-related condition. Last evaluated: 2024-09-25. Review status: no assertion criteria provided. Collection method: clinical testing. Allele origin: germline. Not counted in ClinVar's aggregate classification.
Comment: This variant is classified as likely benign based on ACMG/AMP sequence variant interpretation guidelines (Richards et al. 2015 PMID: 25741868, with internal and published modifications).

Natera, Inc.
Classification: Likely benign for Gitelman syndrome. Last evaluated: 2019-10-22. Review status: no assertion criteria provided. Collection method: clinical testing. Allele origin: germline. Not counted in ClinVar's aggregate classification.